The following is an entry in ClinVar:

NM_001005242.3(PKP2):c.2177C>T (p.Thr726Ile)

Gene: PKP2 (plakophilin 2; minus strand). Cytogenetic location: 12p11.21.
Variant type: single nucleotide variant.
Coding change: c.2177C>T on transcript NM_001005242.3 (MANE Select); coding-DNA position 2177, C replaced by T.
Protein change: p.Thr726Ile; replaces threonine 726 with isoleucine.
Molecular consequence: missense variant.
Genome position (GRCh38, 1-based): chr12:32,796,289, G>A on the plus strand (C>T on the coding strand, the complement: PKP2 is on the minus strand). VCF-style: chr12-32796289-G-A. GRCh37 (hg19) VCF-style: chr12-32949223-G-A.
Other names: c.2309C>T, p.Thr770Ile (NM_004572.4); short protein forms T726I, T770I.
Identifiers: ClinVar variation 1373229 (VCV001373229.6), dbSNP rs2137708917, ClinGen allele CA384357957.
Genomic context (GRCh38, chr12:32,796,289, plus strand): 5'-TCAATGAGAAGGTCAGTACTCGGGACTGTGTCAGGAATGATGGAAACCAAATCAGGGAGA[G>A]TTTCTTTGGCTACAAAATGAAAAAAAAAACAAAACACTTGATTAAAAAGATTGTTTCTTA-3'
Protein context (NP_001005242.2, residues 716-736): LSLQNEIAKE[Thr726Ile]LPDLVSIIPD

ClinVar aggregate classification (germline): Uncertain significance (1 of 4 stars; one submission).

Conditions:
Arrhythmogenic right ventricular dysplasia 9 (ARVD9). Also called: ARRHYTHMOGENIC RIGHT VENTRICULAR DYSPLASIA, FAMILIAL, 9; Arrhythmogenic Right Ventricular Dysplasia/Cardiomyopathy 9. Identifiers: MedGen C1836906, MONDO:0012180, OMIM 609040.

Allele frequency attached by ClinVar (database versions not stated): gnomAD exomes below 0.00001.
gnomAD v4.1: 2 of 1,598,594 alleles (0.00013%); highest among the groups gnomAD compares: Non-Finnish European, 0.00017%; no homozygotes.

Submission:

Labcorp Genetics (formerly Invitae), Labcorp
Classification: Uncertain significance for Arrhythmogenic right ventricular dysplasia 9. Last evaluated: 2021-08-07. Review status: criteria provided, single submitter. Criteria: Invitae Variant Classification Sherloc (09022015). Collection method: clinical testing. Allele origin: germline.
Comment: This sequence change replaces threonine with isoleucine at codon 770 of the PKP2 protein (p.Thr770Ile). The threonine residue is moderately conserved and there is a moderate physicochemical difference between threonine and isoleucine. In summary, the available evidence is currently insufficient to determine the role of this variant in disease. Therefore, it has been classified as a Variant of Uncertain Significance. Algorithms developed to predict the effect of missense changes on protein structure and function (SIFT, PolyPhen-2, Align-GVGD) all suggest that this variant is likely to be tolerated. This variant has not been reported in the literature in individuals affected with PKP2-related conditions. This variant is not present in population databases (ExAC no frequency).